The following is an entry in ClinVar:

ClinVar aggregate classification (germline): Uncertain significance. Review status: criteria provided, multiple submitters, no conflicts (2 of 4 stars). 5 submissions from 5 submitters: Uncertain significance (5). Last evaluated 2025-10-13.

Conditions:
Central core myopathy (CMYO1A). Also called: Central core disease; Myopathy, central fibrillar; CONGENITAL MYOPATHY 1A, AUTOSOMAL DOMINANT, WITH SUSCEPTIBILITY TO MALIGNANT HYPERTHERMIA. Identifiers: Orphanet 597, MedGen C5830701, MONDO:0007294, OMIM 117000.
King Denborough syndrome (KDS). Identifiers: MedGen C1840365, MONDO:0020485, OMIM 619542.
Malignant hyperthermia, susceptibility to, 1 (MHS1). Also called: Anesthesia related hyperthermia; Malignant hyperpyrexia; Fulminating hyperpyrexia; Pharmacogenic myopathy; Malignant hyperthermia suceptibility 1; RYR1-Related Malignant Hyperthermia Susceptibility. Identifiers: Orphanet 423, MedGen C2930980, MONDO:0007783, OMIM 145600.
Congenital myopathy with fiber type disproportion. Also called: Congenital fiber-type disproportion myopathy; Congenital fiber-type disproportion. Identifiers: Orphanet 2020, MedGen C0546264, MONDO:0009711. Inheritance: all.
Congenital multicore myopathy with external ophthalmoplegia (CMYO1B). Also called: Congenital myopathy 1B, autosomal recessive; Minicore myopathy; MULTICORE MYOPATHY; Minicore myopathy with external ophthalmoplegia; MULTIMINICORE DISEASE WITH EXTERNAL OPHTHALMOPLEGIA. Identifiers: Orphanet 598, Orphanet 98905, MedGen C1850674, MONDO:0009712, OMIM 255320, HP:0003789.
RYR1-related disorder. Also called: RYR1-related condition; RYR1-related disorders. Identifiers: MedGen CN239331.

Allele frequency attached by ClinVar (database versions not stated): TOPMed below 0.00001; ExAC 0.00001; gnomAD 0.00001; 1000 Genomes Project 0.00020; 1000 Genomes Project 30x 0.00031.
gnomAD v4.1: 17 of 1,614,060 alleles (0.0011%); highest among the groups gnomAD compares: East Asian, 0.0022%; no homozygotes.

Submissions (5):

Labcorp Genetics (formerly Invitae), Labcorp
Classification: Uncertain significance for RYR1-related disorder. Last evaluated: 2025-10-13. Review status: criteria provided, single submitter. Criteria: Invitae Variant Classification Sherloc (09022015). Collection method: clinical testing. Allele origin: germline.
Comment: This sequence change replaces arginine, which is basic and polar, with histidine, which is basic and polar, at codon 795 of the RYR1 protein (p.Arg795His). This variant is present in population databases (rs201635585, gnomAD 0.003%). This variant has not been reported in the literature in individuals affected with RYR1-related conditions. ClinVar contains an entry for this variant (Variation ID: 1200067). Invitae Evidence Modeling of protein sequence and biophysical properties (such as structural, functional, and spatial information, amino acid conservation, physicochemical variation, residue mobility, and thermodynamic stability) has been performed for this missense variant. However, the output from this modeling did not meet the statistical confidence thresholds required to predict the impact of this variant on RYR1 protein function. In summary, the available evidence is currently insufficient to determine the role of this variant in disease. Therefore, it has been classified as a Variant of Uncertain Significance.

Color Diagnostics, LLC DBA Color Health
Classification: Uncertain significance for Malignant hyperthermia, susceptibility to, 1. Last evaluated: 2024-07-18. Review status: criteria provided, single submitter. Criteria: ACMG Guidelines, 2015. Collection method: clinical testing. Allele origin: germline.
Comment: This missense variant replaces arginine with histidine at codon 795 of the RYR1 protein. Computational prediction suggests that this variant may have deleterious impact on protein structure and function. To our knowledge, functional studies have not been reported for this variant. This variant has not been reported in individuals affected with RYR1-related disorders in the literature. This variant has been identified in 2/251488 chromosomes in the general population by the Genome Aggregation Database (gnomAD). The available evidence is insufficient to determine the role of this variant in disease conclusively. Therefore, this variant is classified as a Variant of Uncertain Significance.

Blueprint Genetics
Classification: Uncertain significance. Last evaluated: 2022-06-28. Review status: criteria provided, single submitter. Criteria: ACMG Guidelines, 2015. Collection method: clinical testing. Allele origin: germline.

Fulgent Genetics
Classification: Uncertain significance for Central core myopathy; Malignant hyperthermia, susceptibility to, 1; Congenital myopathy 4A, autosomal dominant; Congenital multicore myopathy with external ophthalmoplegia; King Denborough syndrome. Last evaluated: 2022-05-19. Review status: criteria provided, single submitter. Criteria: ACMG Guidelines, 2015. Collection method: clinical testing. Allele origin: unknown.

GeneDx
Classification: Uncertain significance. Last evaluated: 2020-02-26. Review status: criteria provided, single submitter. Criteria: GeneDx Variant Classification Process June 2021. Collection method: clinical testing. Allele origin: germline. Affected: yes.
Comment: Not observed at a significant frequency in large population cohorts (Lek et al., 2016); In silico analysis supports that this missense variant has a deleterious effect on protein structure/function; Has not been previously published as pathogenic or benign to our knowledge

NM_000540.3(RYR1):c.2384G>A (p.Arg795His)

Gene: RYR1 (ryanodine receptor 1; plus strand). Cytogenetic location: 19q13.2.
Variant type: single nucleotide variant.
Coding change: c.2384G>A on transcript NM_000540.3 (MANE Select); coding-DNA position 2384, G replaced by A.
Protein change: p.Arg795His; replaces arginine 795 with histidine.
Molecular consequence: missense variant.
Genome position (GRCh38, 1-based): chr19:38,460,398, G>A. VCF-style: chr19-38460398-G-A. GRCh37 (hg19) VCF-style: chr19-38951038-G-A.
Other names: c.2384G>A, p.Arg795His (NM_001042723.2); short protein forms R795H.
Identifiers: ClinVar variation 1200067 (VCV001200067.11), dbSNP rs201635585, ClinGen allele CA063212.